The following is an entry in ClinVar:

ClinVar aggregate classification (germline): Pathogenic (1 of 4 stars; one submission).

Conditions:
Idiopathic cardiomyopathy. Identifiers: MedGen C0033141, MeSH D009202, MONDO:0005110.

Allele frequency attached by ClinVar (database versions not stated): gnomAD exomes below 0.00001; ExAC 0.00003.

Submission:

Genomics, Clalit Research Institute, Clalit Health Care
Classification: Pathogenic for Idiopathic cardiomyopathy. Last evaluated: 2024-03-21. Review status: criteria provided, single submitter. Criteria: ACMG Guidelines, 2015. Collection method: clinical testing. Allele origin: germline. Inheritance: Autosomal recessive inheritance. Affected: yes. Observed: 3 variant alleles, 1 compound heterozygote, 2 homozygotes.
Comment: Frequency: The variant is rare, observed in 5 alleles out of 251,354 (0.001989%) in the gnomAD2 reference population dataset (pm2_support). Frequency among cases: The prevalence of the variant in affected individuals is significantly increased compared with the prevalence in controls (ps4). Allelic data: This variant was observed in trans with the c.739c>t (p.G247X) (Clalit Genomic center)(pm3). Variant type: Nonsense variant in a gene where LOF is thought to be a mechanism of disease (pvs1). Sources: This variant has been previously described in the literature; see for example, PMID: 32451364, 35273634.

NM_032588.4(TRIM63):c.277C>T (p.Gln93Ter)

Gene: TRIM63 (tripartite motif containing 63; minus strand). Cytogenetic location: 1p36.11.
Variant type: single nucleotide variant.
Coding change: c.277C>T on transcript NM_032588.4 (MANE Select); coding-DNA position 277, C replaced by T.
Protein change: p.Gln93Ter; replaces glutamine 93 with a stop codon.
Molecular consequence: nonsense.
Genome position (GRCh38, 1-based): chr1:26,066,323, G>A on the plus strand (C>T on the coding strand, the complement: TRIM63 is on the minus strand). VCF-style: chr1-26066323-G-A. GRCh37 (hg19) VCF-style: chr1-26392814-G-A.
Other names: short protein forms Q93*.
Identifiers: ClinVar variation 3062228 (VCV003062228.2), dbSNP rs750765152, ClinGen allele CA699728.